The following is an entry in ClinVar:

ClinVar aggregate classification (germline): Uncertain significance (1 of 4 stars; one submission).

Submission:

ISCA site 4
Classification: Uncertain significance. Last evaluated: 2011-08-12. Review status: criteria provided, single submitter. Criteria: Kaminsky et al. (Genet Med. 2011). Collection method: clinical testing. Allele origin: unknown. Affected: yes. Observed: 1 variant allele.
Comment: Copy number variation identified through the course of routine clinical cytogenomic testing in postnatal populations. Clinical assertions have been curated as described in Kaminsky et al. 2011.

GRCh38/hg38 11p13(chr11:31634904-32088303)x3

Genes: ELP4 (elongator acetyltransferase complex subunit 4; plus strand), ELP4-AS1 (ELP4 antisense RNA 1; minus strand), LINC03031 (long intergenic non-protein coding RNA 3031; minus strand), PAUPAR (PAX6 upstream antisense RNA; plus strand), PAX6 (paired box 6; minus strand) and 17 more. Cytogenetic location: 11p13.
Variant type: copy number gain.
Change: copy number 3 (three copies instead of two) of chr11:31,634,904-32,088,303 (453.4 kb, GRCh38 coordinates, 1-based), cytogenetic band 11p13.
Identifiers: ClinVar variation 57032 (VCV000057032.1).